The following is an entry in ClinVar:

ClinVar aggregate classification (germline): Uncertain significance (1 of 4 stars; one submission).

Conditions:
Severe combined immunodeficiency, autosomal recessive, T cell-negative, B cell-negative, NK cell-negative, due to adenosine deaminase deficiency. Also called: ADA deficiency; SCID DUE TO ADA DEFICIENCY; SCID DUE TO ADA DEFICIENCY, EARLY-ONSET; Adenosine deaminase deficient severe combined immunodeficiency; Severe combined immunodeficiency due to ADA deficiency; Adenosine Deaminase Deficiency. Identifiers: Orphanet 277, MedGen C0392607, MONDO:0007064, OMIM 102700.

Allele frequency attached by ClinVar (database versions not stated): gnomAD 0.00002; TOPMed 0.00003.

Submission:

Labcorp Genetics (formerly Invitae), Labcorp
Classification: Uncertain significance for Severe combined immunodeficiency, autosomal recessive, T cell-negative, B cell-negative, NK cell-negative, due to adenosine deaminase deficiency. Last evaluated: 2022-07-18. Review status: criteria provided, single submitter. Criteria: Invitae Variant Classification Sherloc (09022015). Collection method: clinical testing. Allele origin: germline.
Comment: This sequence change falls in intron 4 of the ADA gene. It does not directly change the encoded amino acid sequence of the ADA protein. It affects a nucleotide within the consensus splice site. The frequency data for this variant in the population databases is considered unreliable, as metrics indicate poor data quality at this position in the gnomAD database. This variant has not been reported in the literature in individuals affected with ADA-related conditions. Variants that disrupt the consensus splice site are a relatively common cause of aberrant splicing (PMID: 17576681, 9536098). Algorithms developed to predict the effect of sequence changes on RNA splicing suggest that this variant is not likely to affect RNA splicing. In summary, the available evidence is currently insufficient to determine the role of this variant in disease. Therefore, it has been classified as a Variant of Uncertain Significance.

Literature cited by the submitters: PubMed 17576681; PubMed 9536098.

NM_000022.4(ADA):c.363-3C>T

Gene: ADA (adenosine deaminase; minus strand). Cytogenetic location: 20q13.12.
Variant type: single nucleotide variant.
Coding change: c.363-3C>T on transcript NM_000022.4 (MANE Select); 3 bases into the intron before coding-DNA position 363, C replaced by T.
Molecular consequence: intron variant.
Genome position (GRCh38, 1-based): chr20:44,625,687, G>A on the plus strand (C>T on the coding strand, the complement: ADA is on the minus strand). VCF-style: chr20-44625687-G-A. GRCh37 (hg19) VCF-style: chr20-43254328-G-A.
Other names: c.73+769C>T (NM_001322050.2); c.363-3C>T (NM_001322051.2).
Identifiers: ClinVar variation 2147503 (VCV002147503.1), dbSNP rs753035656, ClinGen allele CA315441639.